The following is an entry in ClinVar:

NM_182961.4(SYNE1):c.23918C>T (p.Thr7973Met)

Gene: SYNE1 (spectrin repeat containing nuclear envelope protein 1; minus strand). Cytogenetic location: 6q25.2.
Variant type: single nucleotide variant.
Coding change: c.23918C>T on transcript NM_182961.4 (MANE Select); coding-DNA position 23918, C replaced by T.
Protein change: p.Thr7973Met; replaces threonine 7973 with methionine.
Molecular consequence: missense variant.
Genome position (GRCh38, 1-based): chr6:152,155,970, G>A on the plus strand (C>T on the coding strand, the complement: SYNE1 is on the minus strand). VCF-style: chr6-152155970-G-A. GRCh37 (hg19) VCF-style: chr6-152477105-G-A.
Other names: c.524C>T, p.Thr175Met (NM_001347701.2); c.383C>T, p.Thr128Met (NM_001347702.2); c.23705C>T, p.Thr7902Met (NM_033071.5); short protein forms T7973M, T175M, T7902M, T128M.
Identifiers: ClinVar variation 1383817 (VCV001383817.8), dbSNP rs558928607, ClinGen allele CA4053320.

ClinVar aggregate classification (germline): Uncertain significance (1 of 4 stars; one submission).

Conditions:
Emery-Dreifuss muscular dystrophy 4, autosomal dominant (EDMD4). Also called: EMERY-DREIFUSS MUSCULAR DYSTROPHY 4 WITH VARIABLE FEATURES. Identifiers: Orphanet 261, MedGen C2751807, MONDO:0013071, OMIM 612998.
Autosomal recessive ataxia, Beauce type. Also called: SYNE1-Related Autosomal Recessive Cerebellar Ataxia; Spinocerebellar ataxia, autosomal recessive 8; ATAXIA, RECESSIVE, OF BEAUCE; SYNE1 Deficiency. Identifiers: Orphanet 88644, MedGen C1853116, MONDO:0012549, OMIM 610743.

Allele frequency attached by ClinVar (database versions not stated): gnomAD 0.00001; gnomAD exomes 0.00001 and 0.00003; TOPMed 0.00001; ExAC 0.00004; 1000 Genomes Project 30x 0.00016; 1000 Genomes Project 0.00020.
gnomAD v4.1: 18 of 1,614,102 alleles (0.0011%); highest among the groups gnomAD compares: South Asian, 0.0055%; no homozygotes.

Submission:

Labcorp Genetics (formerly Invitae), Labcorp
Classification: Uncertain significance for Emery-Dreifuss muscular dystrophy 4, autosomal dominant; Autosomal recessive ataxia, Beauce type. Last evaluated: 2021-03-22. Review status: criteria provided, single submitter. Criteria: Invitae Variant Classification Sherloc (09022015). Collection method: clinical testing. Allele origin: germline.
Comment: This variant is present in population databases (rs558928607, ExAC 0.02%). This sequence change replaces threonine with methionine at codon 7902 of the SYNE1 protein (p.Thr7902Met). The threonine residue is highly conserved and there is a moderate physicochemical difference between threonine and methionine. This variant has not been reported in the literature in individuals with SYNE1-related conditions. In summary, the available evidence is currently insufficient to determine the role of this variant in disease. Therefore, it has been classified as a Variant of Uncertain Significance. Algorithms developed to predict the effect of missense changes on protein structure and function are either unavailable or do not agree on the potential impact of this missense change (SIFT: "Deleterious"; PolyPhen-2: "Probably Damaging"; Align-GVGD: "Class C0").